The following is an entry in ClinVar:

ClinVar aggregate classification (germline): Uncertain significance. Review status: criteria provided, multiple submitters, no conflicts (2 of 4 stars). 2 submissions from 2 submitters: Uncertain significance (2). Last evaluated 2024-06-23.

Conditions:
Duchenne muscular dystrophy (DMD). Also called: MUSCULAR DYSTROPHY, PSEUDOHYPERTROPHIC PROGRESSIVE, DUCHENNE TYPE; Duchenne Muscular Dystrophy (DMD). Identifiers: Orphanet 98896, MedGen C0013264, MONDO:0010679, OMIM 310200.

Allele frequency attached by ClinVar (database versions not stated): gnomAD exomes 0.00001.
gnomAD v4.1: 5 of 1,207,544 alleles (0.00041%); highest among the groups gnomAD compares: Admixed American, 0.0044%; no homozygotes.

Submissions (2):

Labcorp Genetics (formerly Invitae), Labcorp
Classification: Uncertain significance for Duchenne muscular dystrophy. Last evaluated: 2024-06-23. Review status: criteria provided, single submitter. Criteria: Invitae Variant Classification Sherloc (09022015). Collection method: clinical testing. Allele origin: germline.
Comment: This sequence change replaces aspartic acid, which is acidic and polar, with asparagine, which is neutral and polar, at codon 1139 of the DMD protein (p.Asp1139Asn). The frequency data for this variant in the population databases is considered unreliable, as metrics indicate poor data quality at this position in the gnomAD database. This variant has not been reported in the literature in individuals affected with DMD-related conditions. ClinVar contains an entry for this variant (Variation ID: 595644). Advanced modeling of protein sequence and biophysical properties (such as structural, functional, and spatial information, amino acid conservation, physicochemical variation, residue mobility, and thermodynamic stability) performed at Invitae indicates that this missense variant is not expected to disrupt DMD protein function with a negative predictive value of 95%. In summary, the available evidence is currently insufficient to determine the role of this variant in disease. Therefore, it has been classified as a Variant of Uncertain Significance.

Eurofins Ntd Llc (ga)
Classification: Uncertain significance. Last evaluated: 2018-01-04. Review status: criteria provided, single submitter. Criteria: EGL Classification Definitions 2015. Collection method: clinical testing. Allele origin: germline. Observed: 1 variant allele, 1 heterozygote.

NM_004006.3(DMD):c.3415G>A (p.Asp1139Asn)

Gene: DMD (dystrophin; minus strand). Cytogenetic location: Xp21.1.
Variant type: single nucleotide variant.
Coding change: c.3415G>A on transcript NM_004006.3 (MANE Select); coding-DNA position 3415, G replaced by A.
Protein change: p.Asp1139Asn; replaces aspartic acid 1139 with asparagine.
Molecular consequence: missense variant.
Genome position (GRCh38, 1-based): chrX:32,463,456, C>T on the plus strand (G>A on the coding strand, the complement: DMD is on the minus strand). VCF-style: chrX-32463456-C-T. GRCh37 (hg19) VCF-style: chrX-32481573-C-T.
Other names: c.3391G>A, p.Asp1131Asn (NM_000109.4); c.3403G>A, p.Asp1135Asn (NM_004009.3); c.3046G>A, p.Asp1016Asn (NM_004010.3); short protein forms D1139N, D1016N, D1131N, D1135N.
Identifiers: ClinVar variation 595644 (VCV000595644.11), dbSNP rs1464988987, ClinGen allele CA412664327.